The following is an entry in ClinVar:

NM_003126.4(SPTA1):c.1982G>A (p.Arg661His)

Gene: SPTA1 (spectrin alpha, erythrocytic 1; minus strand). Cytogenetic location: 1q23.1.
Variant type: single nucleotide variant.
Coding change: c.1982G>A on transcript NM_003126.4 (MANE Select); coding-DNA position 1982, G replaced by A.
Protein change: p.Arg661His; replaces arginine 661 with histidine.
Molecular consequence: missense variant.
Genome position (GRCh38, 1-based): chr1:158,667,914, C>T on the plus strand (G>A on the coding strand, the complement: SPTA1 is on the minus strand). VCF-style: chr1-158667914-C-T. GRCh37 (hg19) VCF-style: chr1-158637704-C-T.
Other names: p.Arg661His; short protein forms R661H.
Identifiers: ClinVar variation 293024 (VCV000293024.36), dbSNP rs201845149, ClinGen allele CA1183557.

ClinVar aggregate classification (germline): Conflicting classifications of pathogenicity. Review status: criteria provided, conflicting classifications (1 of 4 stars). 11 submissions from 9 submitters: Uncertain significance (3); Benign (1); Likely benign (4). 3 of the submissions do not count toward it. Last evaluated 2025-09-19.

Conditions:
SPTA1-related disorder. Also called: SPTA1-related disorders; SPTA1-related condition.
Hereditary spherocytosis type 3. Also called: SPTA1-Related Spherocytosis; Spherocytosis type 3. Identifiers: Orphanet 822, MedGen C2678338, MONDO:0010053, OMIM 270970.
Elliptocytosis 2 (EL2). Also called: ELLIPTOCYTOSIS, RHESUS-UNLINKED TYPE. Identifiers: Orphanet 288, MedGen C1851741, MONDO:0007533, OMIM 130600.
Pyropoikilocytosis, hereditary. Also called: Pyropoikilocytosis. Identifiers: MedGen C0520739, MONDO:0009948, OMIM 266140, HP:0004839. Disease mechanism: loss of function.

Allele frequency attached by ClinVar (database versions not stated): ESP Exome Variant Server 0.00118; gnomAD 0.00134 and 0.00145; 1000 Genomes Project 0.00140; 1000 Genomes Project 30x 0.00141; TOPMed 0.00149; ExAC 0.00163; gnomAD exomes 0.00169.
gnomAD v4.1: 2,929 of 1,614,006 alleles (0.18%); highest among the groups gnomAD compares: South Asian, 0.58%; 9 homozygotes.

Submissions (11):

Labcorp Genetics (formerly Invitae), Labcorp
Classification: Benign. Last evaluated: 2025-09-19. Review status: criteria provided, single submitter. Criteria: Invitae Variant Classification Sherloc (09022015). Collection method: clinical testing. Allele origin: germline.

ARUP Laboratories, Molecular Genetics and Genomics, ARUP Laboratories
Classification: Likely benign. Last evaluated: 2025-03-13. Review status: criteria provided, single submitter. Criteria: ARUP Molecular Germline Variant Investigation Process 2024. Collection method: clinical testing. Allele origin: germline.

Mayo Clinic Laboratories, Mayo Clinic
Classification: Likely benign. Last evaluated: 2025-01-03. Review status: criteria provided, single submitter. Criteria: ACMG Guidelines, 2015. Collection method: clinical testing. Allele origin: germline. Observed: 10 variant alleles.
Comment: BS2, BP4

CeGaT Center for Human Genetics Tuebingen
Classification: Likely benign. Last evaluated: 2024-11-01. Review status: criteria provided, single submitter. Criteria: CeGaT Center For Human Genetics Tuebingen Variant Classification Criteria Version 2. Collection method: clinical testing. Allele origin: germline. Affected: yes. Observed: 1 variant allele.
Comment: SPTA1: BP4, BS1

Illumina Laboratory Services, Illumina
Classification: Uncertain significance for Hereditary spherocytosis type 3. Last evaluated: 2018-01-12. Review status: criteria provided, single submitter. Criteria: ICSL Variant Classification Criteria 13 December 2019. Collection method: clinical testing. Allele origin: germline.

Illumina Laboratory Services, Illumina
Classification: Uncertain significance for Pyropoikilocytosis, hereditary. Last evaluated: 2018-01-12. Review status: criteria provided, single submitter. Criteria: ICSL Variant Classification Criteria 13 December 2019. Collection method: clinical testing. Allele origin: germline.

Illumina Laboratory Services, Illumina
Classification: Likely benign for Elliptocytosis 2. Last evaluated: 2018-01-12. Review status: criteria provided, single submitter. Criteria: ICSL Variant Classification Criteria 13 December 2019. Collection method: clinical testing. Allele origin: germline.
Comment: This variant was observed in the ICSL laboratory as part of a predisposition screen in an ostensibly healthy population. It had not been previously curated by ICSL or reported in the Human Gene Mutation Database (HGMD: prior to June 1st, 2018), and was therefore a candidate for classification through an automated scoring system. Utilizing variant allele frequency, disease prevalence and penetrance estimates, and inheritance mode, an automated score was calculated to assess if this variant is too frequent to cause the disease. Based on the score and internal cut-off values, a variant classified as likely benign is not then subjected to further curation. The score for this variant resulted in a classification of likely benign for this disease.

CENTOGENE GmbH and LLC - Guiding Precision Medicine
Classification: Uncertain significance for Hereditary spherocytosis type 3. Last evaluated: 2016-03-04. Review status: criteria provided, single submitter. Criteria: ACMG Guidelines, 2015. Collection method: clinical testing. Allele origin: germline.

PreventionGenetics, part of Exact Sciences
Classification: Likely benign for SPTA1-related condition. Last evaluated: 2024-08-06. Review status: no assertion criteria provided. Collection method: clinical testing. Allele origin: germline. Not counted in ClinVar's aggregate classification.
Comment: This variant is classified as likely benign based on ACMG/AMP sequence variant interpretation guidelines (Richards et al. 2015 PMID: 25741868, with internal and published modifications).

Clinical Genetics DNA and cytogenetics Diagnostics Lab, Erasmus MC, Erasmus Medical Center
Classification: Likely benign. Review status: no assertion criteria provided. Collection method: clinical testing. Allele origin: germline. Affected: yes. Study: VKGL Data-share Consensus. Not counted in ClinVar's aggregate classification.

Genome Diagnostics Laboratory, University Medical Center Utrecht
Classification: Benign. Review status: no assertion criteria provided. Collection method: clinical testing. Allele origin: germline. Affected: yes. Study: VKGL Data-share Consensus. Not counted in ClinVar's aggregate classification.